The following is an entry in ClinVar:

NM_052876.4(NACC1):c.1090G>A (p.Asp364Asn)

Gene: NACC1 (nucleus accumbens associated 1; plus strand). Cytogenetic location: 19p13.13.
Variant type: single nucleotide variant.
Coding change: c.1090G>A on transcript NM_052876.4 (MANE Select); coding-DNA position 1090, G replaced by A.
Protein change: p.Asp364Asn; replaces aspartic acid 364 with asparagine.
Molecular consequence: missense variant.
Genome position (GRCh38, 1-based): chr19:13,136,375, G>A. VCF-style: chr19-13136375-G-A. GRCh37 (hg19) VCF-style: chr19-13247189-G-A.
Other names: short protein forms D364N.
Identifiers: ClinVar variation 1507893 (VCV001507893.8), dbSNP rs2019707211, ClinGen allele CA404327648.

ClinVar aggregate classification (germline): Uncertain significance (1 of 4 stars; one submission).

Allele frequency attached by ClinVar (database versions not stated): gnomAD exomes below 0.00001; TOPMed below 0.00001; gnomAD 0.00001.
gnomAD v4.1: 5 of 1,613,734 alleles (0.00031%); highest among the groups gnomAD compares: Non-Finnish European, 0.00034%; no homozygotes.

Submission:

Labcorp Genetics (formerly Invitae), Labcorp
Classification: Uncertain significance. Last evaluated: 2022-08-16. Review status: criteria provided, single submitter. Criteria: Invitae Variant Classification Sherloc (09022015). Collection method: clinical testing. Allele origin: germline.
Comment: This sequence change replaces aspartic acid, which is acidic and polar, with asparagine, which is neutral and polar, at codon 364 of the NACC1 protein (p.Asp364Asn). In summary, the available evidence is currently insufficient to determine the role of this variant in disease. Therefore, it has been classified as a Variant of Uncertain Significance. Algorithms developed to predict the effect of missense changes on protein structure and function are either unavailable or do not agree on the potential impact of this missense change (SIFT: "Deleterious"; PolyPhen-2: "Possibly Damaging"; Align-GVGD: "Class C15"). ClinVar contains an entry for this variant (Variation ID: 1507893). This variant has not been reported in the literature in individuals affected with NACC1-related conditions. This variant is not present in population databases (gnomAD no frequency).